The following is an entry in ClinVar:

ClinVar aggregate classification (germline): Uncertain significance (1 of 4 stars; one submission).

Submission:

Women's Health and Genetics/Laboratory Corporation of America, LabCorp
Classification: Uncertain significance. Last evaluated: 2025-10-17. Review status: criteria provided, single submitter. Criteria: LabCorp Variant Classification Summary - May 2015. Collection method: clinical testing. Allele origin: germline.
Comment: Variant summary: MYH6 c.1891+6_1891+42del37 alters a nucleotide located close to a canonical splice site and therefore could affect mRNA splicing, leading to a significantly altered protein sequence. Several computational tools predict a significant impact on normal splicing: One predicts the variant weakens a 5' donor site. Three predict the variant creates a 5' donor site. Two predict the variant creates a 3' acceptor site. However, these predictions have yet to be confirmed by functional studies. The variant was absent in 249050 control chromosomes. The available data on variant occurrences in the general population are insufficient to allow any conclusion about variant significance. To our knowledge, no occurrence of c.1891+6_1891+42del37 in individuals affected with MYH6-related conditions and no experimental evidence demonstrating its impact on protein function have been reported. No submitters have cited clinical-significance assessments for this variant to ClinVar. Based on the evidence outlined above, the variant was classified as uncertain significance.

NM_002471.4(MYH6):c.1891+6_1891+42del

Gene: MYH6 (myosin heavy chain 6; minus strand). Cytogenetic location: 14q11.2.
Variant type: Deletion.
Coding change: c.1891+6_1891+42del on transcript NM_002471.4 (MANE Select); bases 6 to 42 of the intron after coding-DNA position 1891, 37 bases deleted.
Molecular consequence: intron variant.
Genome position (GRCh38, 1-based): chr14:23,398,686-23,398,722, 37 bases deleted; deleting any 37 consecutive bases within chr14:23,398,686-23,398,725 gives the same sequence; the c. name uses the placement nearest the transcript's 3' end. GRCh37 (hg19): chr14:23,867,898-23,867,934.
Other names: c.1891+6_1891+42del37 (NM_002471.4).
Identifiers: ClinVar variation 4687231 (VCV004687231.1).